The following is an entry in ClinVar:

ClinVar aggregate classification (germline): Uncertain significance (1 of 4 stars; one submission).

Submission:

GeneDx
Classification: Uncertain significance. Last evaluated: 2024-08-28. Review status: criteria provided, single submitter. Criteria: GeneDx Variant Classification Process June 2021. Collection method: clinical testing. Allele origin: germline. Affected: yes.
Comment: Not observed at significant frequency in large population cohorts (gnomAD); In silico analysis indicates that this missense variant does not alter protein structure/function; Has not been previously published as pathogenic or benign to our knowledge

NM_152641.4(ARID2):c.4869T>G (p.Asp1623Glu)

Gene: ARID2 (AT-rich interaction domain 2; plus strand). Cytogenetic location: 12q12.
Variant type: single nucleotide variant.
Coding change: c.4869T>G on transcript NM_152641.4 (MANE Select); coding-DNA position 4869, T replaced by G.
Protein change: p.Asp1623Glu; replaces aspartic acid 1623 with glutamic acid.
Molecular consequence: missense variant.
Genome position (GRCh38, 1-based): chr12:45,860,896, T>G. VCF-style: chr12-45860896-T-G. GRCh37 (hg19) VCF-style: chr12-46254679-T-G.
Other names: c.4869T>G, p.Asp1623Glu (NM_001347839.2); short protein forms D1623E.
Identifiers: ClinVar variation 3765942 (VCV003765942.1).